The following is an entry in ClinVar:

NM_194302.4(CFAP65):c.15C>T (p.Thr5=)

Gene: CFAP65 (cilia and flagella associated protein 65; minus strand). Cytogenetic location: 2q35.
Variant type: single nucleotide variant.
Coding change: c.15C>T on transcript NM_194302.4 (MANE Select); coding-DNA position 15, C replaced by T.
Protein change: p.Thr5=; no amino-acid change (threonine 5 retained).
Molecular consequence: synonymous variant. On other transcripts: intron variant (3).
Genome position (GRCh38, 1-based): chr2:219,039,034, G>A on the plus strand (C>T on the coding strand, the complement: CFAP65 is on the minus strand). VCF-style: chr2-219039034-G-A. GRCh37 (hg19) VCF-style: chr2-219903756-G-A.
Other names: c.72-90C>T (NM_001278295.1); c.-42-456C>T (NM_001278296.2, NM_152389.4).
Identifiers: ClinVar variation 2672860 (VCV002672860.23), dbSNP rs201461858, ClinGen allele CA2116471.

ClinVar aggregate classification (germline): Likely benign (1 of 4 stars; one submission).

Allele frequency attached by ClinVar (database versions not stated): 1000 Genomes Project 30x 0.00016; 1000 Genomes Project 0.00020.

Submission:

CeGaT Center for Human Genetics Tuebingen
Classification: Likely benign. Last evaluated: 2023-11-01. Review status: criteria provided, single submitter. Criteria: CeGaT Center For Human Genetics Tuebingen Variant Classification Criteria Version 2. Collection method: clinical testing. Allele origin: germline. Affected: yes. Observed: 1 variant allele.
Comment: CFAP65: BP4, BP7